The following continues an entry in ClinVar:

NM_000152.5(GAA):c.784G>A (p.Glu262Lys)

Gene: GAA. ClinVar aggregate classification (germline): Pathogenic. Pathogenic (1).

Submissions 10 to 13 of 13:

Women's Health and Genetics/Laboratory Corporation of America, LabCorp
Classification: Pathogenic for Glycogen storage disease, type II. Last evaluated: 2018-02-19. Review status: criteria provided, single submitter. Criteria: LabCorp Variant Classification Summary - May 2015. Collection method: clinical testing. Allele origin: germline. Not counted in ClinVar's aggregate classification.
Comment: Variant summary: GAA c.784G>A (p.Glu262Lys) results in a conservative amino acid change located in the Glycoside hydrolase family 31, N-terminal domain of the encoded protein sequence. Four of five in-silico tools predict a damaging effect of the variant on protein function. The variant allele was found at a frequency of 1.4e-05 in 276972 control chromosomes. This frequency is not higher than expected for a pathogenic variant in GAA causing Glycogen Storage Disease, Type 2 (Pompe Disease) (1.4e-05 vs 0.0042), allowing no conclusion about variant significance. The c.784G>A variant has been reported in the literature in multiple individuals affected with Glycogen Storage Disease, Type 2 (Pompe Disease). These data indicate that the variant is very likely to be associated with disease. To our knowledge, no experimental evidence demonstrating an impact on protein function has been reported. One clinical diagnostic laboratory has submitted clinical-significance assessments for this variant to ClinVar after 2014 without evidence for independent evaluation and classified the variant as likely pathogenic. Based on the evidence outlined above, the variant was classified as pathogenic.

Eurofins Ntd Llc (ga)
Classification: Pathogenic. Last evaluated: 2017-11-22. Review status: criteria provided, single submitter. Criteria: EGL Classification Definitions 2015. Collection method: clinical testing. Allele origin: germline. Observed: 1 variant allele, 1 heterozygote. Not counted in ClinVar's aggregate classification.

Juno Genomics, Hangzhou Juno Genomics, Inc
Classification: Pathogenic for Glycogen storage disease, type II. Review status: criteria provided, single submitter. Criteria: ACMG Guidelines, 2015. Collection method: clinical testing. Allele origin: germline. Not counted in ClinVar's aggregate classification.
Comment: Absent from controls (or at extremely low frequency if recessive) in Genome Aggregation Database.;For recessive disorders, detected in trans with a pathogenic variant.;Patient's phenotype or family history is highly specific for a disease with a single genetic etiology.;Multiple lines of computational evidence support a deleterious effect on the gene or gene product.

Counsyl
Classification: Likely pathogenic for Glycogen storage disease, type II. Last evaluated: 2014-05-30. Review status: no assertion criteria provided. Collection method: literature only. Allele origin: unknown. Inheritance: Autosomal recessive inheritance. Not counted in ClinVar's aggregate classification.

Literature cited by the submitters: PubMed 39835171 (cited by Genomenon, Inc); PubMed 39273088 (cited by Genomenon, Inc); PubMed 39010129 (cited by Genomenon, Inc); PubMed 38162137 (cited by Genomenon, Inc); PubMed 38043017 (cited by Genomenon, Inc); PubMed 37087815 (cited by Genomenon, Inc); PubMed 35071497 (cited by Genomenon, Inc); PubMed 34734785 (cited by Genomenon, Inc); PubMed 33228748 (cited by Genomenon, Inc); PubMed 31915562 (cited by Genomenon, Inc and Labcorp Genetics (formerly Invitae), Labcorp); PubMed 11738358 (cited by 3 submitters); PubMed 18429042 (cited by 4 submitters); PubMed 19588081 (cited by 5 submitters); PubMed 21232767 (cited by 3 submitters); PubMed 22658377 (cited by 3 submitters); PubMed 27344650 (cited by Labcorp Genetics (formerly Invitae), Labcorp); PubMed 29422078 (cited by Labcorp Genetics (formerly Invitae), Labcorp); PubMed 26497565 (cited by Natera, Inc. and Broad Center for Mendelian Genomics, Broad Institute of MIT and Harvard); PubMed 25052852 (cited by Natera, Inc.); PubMed 24269976 (cited by Broad Center for Mendelian Genomics, Broad Institute of MIT and Harvard and Counsyl); PubMed 24158270 (cited by Broad Center for Mendelian Genomics, Broad Institute of MIT and Harvard and Counsyl); PubMed 22704482 (cited by Broad Center for Mendelian Genomics, Broad Institute of MIT and Harvard and Counsyl); PubMed 22958975 (cited by Broad Center for Mendelian Genomics, Broad Institute of MIT and Harvard and Counsyl); PubMed 22980766 (cited by Broad Center for Mendelian Genomics, Broad Institute of MIT and Harvard); PubMed 20080426 (cited by Counsyl).